The following is an entry in ClinVar:

NM_001791.4(CDC42):c.503T>A (p.Val168Glu)

Gene: CDC42 (cell division cycle 42; plus strand). Cytogenetic location: 1p36.12.
Variant type: single nucleotide variant.
Coding change: c.503T>A on transcript NM_001791.4 (MANE Select); coding-DNA position 503, T replaced by A.
Protein change: p.Val168Glu; replaces valine 168 with glutamic acid.
Molecular consequence: missense variant.
Genome position (GRCh38, 1-based): chr1:22,091,444, T>A. VCF-style: chr1-22091444-T-A. GRCh37 (hg19) VCF-style: chr1-22417937-T-A.
Other names: c.503T>A, p.Val168Glu (NM_001039802.2); short protein forms V168E.
Identifiers: ClinVar variation 4998878 (VCV004998878.1).

ClinVar aggregate classification (germline): Likely pathogenic (1 of 4 stars; one submission).

Conditions:
CDC42-related disorder. Also called: CDC42-related condition; CDC42-related disorders.

Submission:

PreventionGenetics, part of Exact Sciences
Classification: Likely pathogenic for CDC42-related condition. Last evaluated: 2025-05-14. Review status: criteria provided, single submitter. Criteria: ACMG Guidelines, 2015. Collection method: clinical testing. Allele origin: germline.
Comment: The CDC42 c.503T>A variant is predicted to result in the amino acid substitution p.Val168Glu. To our knowledge, this variant has not been reported in the literature or in a large population database (gnomAD), indicating this variant is rare. De novo missense variants in this gene have been reported in individuals with CDC42-related conditions (see supplementary clinical information and Table S5, Martinelli et al. 2018. PubMed ID: 29394990). This variant is interpreted as likely pathogenic.